The following is an entry in ClinVar:

ClinVar aggregate classification (germline): Likely pathogenic (1 of 4 stars; one submission).

Conditions:
Autosomal recessive polycystic kidney disease (ARPKD). Also called: AR polycystic kidney disease. Identifiers: Orphanet 731, Orphanet 8378, MedGen C0085548, MeSH D017044, MONDO:0009889.

gnomAD v4.1: 239 of 1,444,478 alleles (0.017%); highest among the groups gnomAD compares: South Asian, 0.27%; 4 homozygotes.

Submission:

Labcorp Genetics (formerly Invitae), Labcorp
Classification: Likely pathogenic for Autosomal recessive polycystic kidney disease. Last evaluated: 2026-01-03. Review status: criteria provided, single submitter. Criteria: Invitae Variant Classification Sherloc (09022015). Collection method: clinical testing. Allele origin: germline.
Comment: This sequence change falls in intron 32 of the PKHD1 gene. It does not directly change the encoded amino acid sequence of the PKHD1 protein. This variant is not present in population databases (gnomAD no frequency). This variant has been observed in individual(s) with polycystic kidney disease (PMID: 34853893). In at least one individual the data is consistent with being in trans (on the opposite chromosome) from a pathogenic variant. Algorithms developed to predict the effect of sequence changes on RNA splicing suggest that this variant may create or strengthen a splice site. In summary, the currently available evidence indicates that the variant is pathogenic, but additional data are needed to prove that conclusively. Therefore, this variant has been classified as Likely Pathogenic.

Literature cited by the submitters: PubMed 34853893.

NM_138694.4(PKHD1):c.5237-92G>A

Gene: PKHD1 (PKHD1 ciliary IPT domain containing fibrocystin/polyductin; minus strand). Cytogenetic location: 6p12.2.
Variant type: single nucleotide variant.
Coding change: c.5237-92G>A on transcript NM_138694.4 (MANE Select); 92 bases into the intron before coding-DNA position 5237, G replaced by A.
Molecular consequence: intron variant.
Genome position (GRCh38, 1-based): chr6:52,023,036, C>T on the plus strand (G>A on the coding strand, the complement: PKHD1 is on the minus strand). VCF-style: chr6-52023036-C-T. GRCh37 (hg19) VCF-style: chr6-51887834-C-T.
Other names: c.5237-92G>A (NM_170724.3).
Identifiers: ClinVar variation 4738840 (VCV004738840.1).